The following is an entry in ClinVar:

NM_138927.4(SON):c.3457G>A (p.Glu1153Lys)

Gene: SON (SON DNA and RNA binding protein; plus strand). Cytogenetic location: 21q22.11.
Variant type: single nucleotide variant.
Coding change: c.3457G>A on transcript NM_138927.4 (MANE Select); coding-DNA position 3457, G replaced by A.
Protein change: p.Glu1153Lys; replaces glutamic acid 1153 with lysine.
Molecular consequence: missense variant. On other transcripts: non-coding transcript variant (1), intron variant (1).
Genome position (GRCh38, 1-based): chr21:33,552,688, G>A. VCF-style: chr21-33552688-G-A. GRCh37 (hg19) VCF-style: chr21-34924994-G-A.
Other names: c.3457G>A, p.Glu1153Lys (NM_001291411.2, NM_032195.3); c.245-4468G>A (NM_001291412.3); short protein forms E1153K.
Identifiers: ClinVar variation 1438357 (VCV001438357.6), dbSNP rs2145828910, ClinGen allele CA410160240.

ClinVar aggregate classification (germline): Uncertain significance (1 of 4 stars; one submission).

Submission:

Labcorp Genetics (formerly Invitae), Labcorp
Classification: Uncertain significance. Last evaluated: 2021-09-15. Review status: criteria provided, single submitter. Criteria: Invitae Variant Classification Sherloc (09022015). Collection method: clinical testing. Allele origin: germline.
Comment: This sequence change replaces glutamic acid with lysine at codon 1153 of the SON protein (p.Glu1153Lys). The glutamic acid residue is weakly conserved and there is a small physicochemical difference between glutamic acid and lysine. This variant is not present in population databases (ExAC no frequency). This variant has not been reported in the literature in individuals affected with SON-related conditions. Algorithms developed to predict the effect of missense changes on protein structure and function are either unavailable or do not agree on the potential impact of this missense change (SIFT: "Deleterious"; PolyPhen-2: "Probably Damaging"; Align-GVGD: "Class C0"). In summary, the available evidence is currently insufficient to determine the role of this variant in disease. Therefore, it has been classified as a Variant of Uncertain Significance.